The following is an entry in ClinVar:

NM_032578.4(MYPN):c.1924C>T (p.Pro642Ser)

Gene: MYPN (myopalladin; plus strand). Cytogenetic location: 10q21.3.
Variant type: single nucleotide variant.
Coding change: c.1924C>T on transcript NM_032578.4 (MANE Select); coding-DNA position 1924, C replaced by T.
Protein change: p.Pro642Ser; replaces proline 642 with serine.
Molecular consequence: missense variant. On other transcripts: non-coding transcript variant (2).
Genome position (GRCh38, 1-based): chr10:68,166,617, C>T. VCF-style: chr10-68166617-C-T. GRCh37 (hg19) VCF-style: chr10-69926374-C-T.
Other names: c.1924C>T, p.Pro642Ser (NM_001256267.2); c.1042C>T, p.Pro348Ser (NM_001256268.2); short protein forms P642S, P348S.
Identifiers: ClinVar variation 3012737 (VCV003012737.3), dbSNP rs2495738064, ClinGen allele CA376840872.

ClinVar aggregate classification (germline): Uncertain significance (1 of 4 stars; one submission).

Conditions:
Dilated cardiomyopathy 1KK (CMD1KK). Identifiers: Orphanet 154, Orphanet 75249, MedGen C3714995, MONDO:0014100, OMIM 615248.

gnomAD v4.1: 1 of 1,614,114 alleles (0.000062%); highest among the groups gnomAD compares: Non-Finnish European, 0.000085%; no homozygotes.

Submission:

Labcorp Genetics (formerly Invitae), Labcorp
Classification: Uncertain significance for Dilated cardiomyopathy 1KK. Last evaluated: 2023-04-10. Review status: criteria provided, single submitter. Criteria: Invitae Variant Classification Sherloc (09022015). Collection method: clinical testing. Allele origin: germline.
Comment: This variant has not been reported in the literature in individuals affected with MYPN-related conditions. This sequence change replaces proline, which is neutral and non-polar, with serine, which is neutral and polar, at codon 642 of the MYPN protein (p.Pro642Ser). This variant is not present in population databases (gnomAD no frequency). An algorithm developed to predict the effect of missense changes on protein structure and function (PolyPhen-2) suggests that this variant is likely to be tolerated. In summary, the available evidence is currently insufficient to determine the role of this variant in disease. Therefore, it has been classified as a Variant of Uncertain Significance.